The following is an entry in ClinVar:

NM_001048174.2(MUTYH):c.235G>A (p.Glu79Lys)

Gene: MUTYH (mutY DNA glycosylase; minus strand). Cytogenetic location: 1p34.1.
Variant type: single nucleotide variant.
Coding change: c.235G>A on transcript NM_001048174.2 (MANE Select); coding-DNA position 235, G replaced by A.
Protein change: p.Glu79Lys; replaces glutamic acid 79 with lysine.
Molecular consequence: missense variant. On other transcripts: 5 prime UTR variant (4), non-coding transcript variant (2).
Genome position (GRCh38, 1-based): chr1:45,333,442, C>T on the plus strand (G>A on the coding strand, the complement: MUTYH is on the minus strand). VCF-style: chr1-45333442-C-T. GRCh37 (hg19) VCF-style: chr1-45799114-C-T.
Other names: c.235G>A, p.Glu79Lys (NM_001048171.2, NM_001048173.2, NM_001293195.2); c.238G>A, p.Glu80Lys (NM_001048172.2); c.319G>A, p.Glu107Lys (NM_001128425.2); c.280G>A, p.Glu94Lys (NM_001293190.2); c.268G>A, p.Glu90Lys (NM_001293191.2); c.-42G>A (NM_001293192.2, NM_001293196.2); c.-37G>A (NM_001350650.2, NM_001350651.2); c.310G>A, p.Glu104Lys (NM_012222.3); short protein forms E80K, E107K, E79K, E104K, E90K, E94K.
Identifiers: ClinVar variation 823159 (VCV000823159.10), dbSNP rs773108803, ClinGen allele CA340136387.

ClinVar aggregate classification (germline): Conflicting classifications of pathogenicity. Review status: criteria provided, conflicting classifications (1 of 4 stars). 2 submissions from 2 submitters: Uncertain significance (1); Benign (1). Last evaluated 2025-09-09.

Conditions:
Hereditary cancer-predisposing syndrome. Also called: Tumor predisposition; Hereditary Cancer Syndrome; Hereditary neoplastic syndrome; Neoplastic Syndromes, Hereditary. Identifiers: Orphanet 140162, MedGen C0027672, MeSH D009386, MONDO:0015356.
Familial adenomatous polyposis 2. Also called: FAP type 2; MUTYH Polyposis; COLORECTAL ADENOMATOUS POLYPOSIS, AUTOSOMAL RECESSIVE; ADENOMAS, MULTIPLE COLORECTAL, AUTOSOMAL RECESSIVE; MUTYH-associated polyposis; MUTYH-related attenuated familial adenomatous polyposis. Identifiers: Orphanet 220460, Orphanet 247798, MedGen C3272841, MONDO:0012041, OMIM 608456.

Submissions (2):

Ambry Genetics
Classification: Benign for Hereditary cancer-predisposing syndrome. Last evaluated: 2025-09-09. Review status: criteria provided, single submitter. Criteria: Ambry Variant Classification Scheme 2023. Collection method: clinical testing. Allele origin: germline.

Labcorp Genetics (formerly Invitae), Labcorp
Classification: Uncertain significance for Familial adenomatous polyposis 2. Last evaluated: 2023-09-21. Review status: criteria provided, single submitter. Criteria: Invitae Variant Classification Sherloc (09022015). Collection method: clinical testing. Allele origin: germline.
Comment: In summary, the available evidence is currently insufficient to determine the role of this variant in disease. Therefore, it has been classified as a Variant of Uncertain Significance. Algorithms developed to predict the effect of missense changes on protein structure and function output the following: SIFT: "Not Available"; PolyPhen-2: "Benign"; Align-GVGD: "Not Available". The lysine amino acid residue is found in multiple mammalian species, which suggests that this missense change does not adversely affect protein function. ClinVar contains an entry for this variant (Variation ID: 823159). This variant has not been reported in the literature in individuals affected with MUTYH-related conditions. This variant is not present in population databases (gnomAD no frequency). This sequence change replaces glutamic acid, which is acidic and polar, with lysine, which is basic and polar, at codon 107 of the MUTYH protein (p.Glu107Lys).